The following is an entry in ClinVar:

ClinVar aggregate classification (germline): Pathogenic (1 of 4 stars; one submission).

Conditions:
DiGeorge syndrome. Also called: THIRD AND FOURTH PHARYNGEAL POUCH SYNDROME; Catch22. Identifiers: Orphanet 567, MedGen C0012236, MONDO:0008564, OMIM 188400.

Submission:

Labcorp Genetics (formerly Invitae), Labcorp
Classification: Pathogenic for DiGeorge syndrome. Last evaluated: 2021-07-27. Review status: criteria provided, single submitter. Criteria: Invitae Variant Classification Sherloc (09022015). Collection method: clinical testing. Allele origin: germline.
Comment: For these reasons, this variant has been classified as Pathogenic. This variant has not been reported in the literature in individuals with TBX1-related conditions. This variant is not present in population databases (ExAC no frequency). This sequence change creates a premature translational stop signal (p.Lys285Argfs*31) in the TBX1 gene. It is expected to result in an absent or disrupted protein product. Loss-of-function variants in TBX1 are known to be pathogenic (PMID: 25860641, 29500247).

Literature cited by the submitters: PubMed 25860641; PubMed 29500247.

NM_001379200.1(TBX1):c.881del (p.Lys294fs)

Gene: TBX1 (T-box transcription factor 1; plus strand). Cytogenetic location: 22q11.21.
Variant type: Deletion.
Coding change: c.881del on transcript NM_001379200.1 (MANE Select); coding-DNA position 881, one base deleted (A; older notation c.881delA).
Protein change: p.Lys294fs; shifts the reading frame from lysine 294.
Molecular consequence: frameshift variant.
Genome position (GRCh38, 1-based): chr22:19,765,771, A deleted; the last of 2 consecutive A bases (chr22:19,765,770-19,765,771); deleting either gives the same sequence. VCF-style (leftmost placement, unchanged base first): chr22-19765769-CA-C. GRCh37 (hg19) VCF-style: chr22-19753292-CA-C.
Other names: c.854del, p.Lys285fs (NM_005992.1, NM_080646.2, NM_080647.1); short protein forms K294fs, K285fs.
Identifiers: ClinVar variation 1432687 (VCV001432687.6), dbSNP rs2145836457, ClinGen allele CA2573157663.
Genomic context (GRCh38, chr22:19,765,769, plus strand): 5'-GCCCAGGCTGCAGGGCTCCAGCGGCTTGCTCACACCCACCTCCCTGCAGATCACGCAGCT[CA>C]AGATTGCCAGCAATCCCTTCGCGAAAGGCTTCCGGGACTGTGACCCTGAGGACTGGTGAG-3'